The following is an entry in ClinVar:

ClinVar aggregate classification (germline): Uncertain significance (1 of 4 stars; one submission).

gnomAD v4.1: 3 of 1,614,002 alleles (0.00019%); highest among the groups gnomAD compares: Non-Finnish European, 0.00025%; no homozygotes.

Submission:

Ambry Genetics
Classification: Uncertain significance. Last evaluated: 2025-07-05. Review status: criteria provided, single submitter. Criteria: Ambry Variant Classification Scheme 2023. Collection method: clinical testing. Allele origin: germline.
Comment: The p.Y529C variant (also known as c.1586A>G), located in coding exon 16 of the SRP72 gene, results from an A to G substitution at nucleotide position 1586. The tyrosine at codon 529 is replaced by cysteine, an amino acid with highly dissimilar properties. This amino acid position is conserved. In addition, this alteration is predicted to be deleterious by in silico analysis. Based on the available evidence, the clinical significance of this variant remains unclear.

NM_006947.4(SRP72):c.1586A>G (p.Tyr529Cys)

Gene: SRP72 (signal recognition particle 72; plus strand). Cytogenetic location: 4q12.
Variant type: single nucleotide variant.
Coding change: c.1586A>G on transcript NM_006947.4 (MANE Select); coding-DNA position 1586, A replaced by G.
Protein change: p.Tyr529Cys; replaces tyrosine 529 with cysteine.
Molecular consequence: missense variant. On other transcripts: non-coding transcript variant (1).
Genome position (GRCh38, 1-based): chr4:56,491,514, A>G. VCF-style: chr4-56491514-A-G. GRCh37 (hg19) VCF-style: chr4-57357680-A-G.
Other names: c.1403A>G, p.Tyr468Cys (NM_001267722.2); short protein forms Y468C, Y529C.
Identifiers: ClinVar variation 4174921 (VCV004174921.1).